The following is an entry in ClinVar:

NM_032444.4(SLX4):c.4545C>T (p.Asp1515=)

Gene: SLX4 (SLX4 structure-specific endonuclease subunit; minus strand). Cytogenetic location: 16p13.3.
Variant type: single nucleotide variant.
Coding change: c.4545C>T on transcript NM_032444.4 (MANE Select); coding-DNA position 4545, C replaced by T.
Protein change: p.Asp1515=; no amino-acid change (aspartic acid 1515 retained).
Molecular consequence: synonymous variant.
Genome position (GRCh38, 1-based): chr16:3,589,093, G>A on the plus strand (C>T on the coding strand, the complement: SLX4 is on the minus strand). VCF-style: chr16-3589093-G-A. GRCh37 (hg19) VCF-style: chr16-3639094-G-A.
Other names: c.4545C>T (NM_032444.3, LRG_503t1).
Identifiers: ClinVar variation 526484 (VCV000526484.16), dbSNP rs142851654, ClinGen allele CA7865606.

ClinVar aggregate classification (germline): Likely benign. Review status: criteria provided, multiple submitters, no conflicts (2 of 4 stars). 5 submissions from 5 submitters: Likely benign (4). 1 of the submissions does not count toward it. Last evaluated 2026-09-01.

Conditions:
Fanconi anemia complementation group P. Also called: SLX4-Related Fanconi Anemia. Identifiers: Orphanet 84, MedGen C3469542, MONDO:0013499, OMIM 613951.
Fanconi anemia (FA). Also called: Fanconi's anemia. Identifiers: Orphanet 84, MedGen C0015625, MeSH D005199, MONDO:0019391.
SLX4-related disorder. Also called: SLX4-related condition.

Allele frequency attached by ClinVar (database versions not stated): gnomAD exomes 0.00003 and 0.00007; ExAC 0.00007; gnomAD 0.00016 and 0.00018; TOPMed 0.00016; ESP Exome Variant Server 0.00031.
gnomAD v4.1: 71 of 1,614,036 alleles (0.0044%); highest among the groups gnomAD compares: African/African-American, 0.036%; no homozygotes.

Submissions (5):

CeGaT Center for Human Genetics Tuebingen
Classification: Likely benign. Last evaluated: 2026-09-01. Review status: criteria provided, single submitter. Criteria: CeGaT Center For Human Genetics Tuebingen Variant Classification Criteria Version 2. Collection method: clinical testing. Allele origin: germline. Affected: yes. Observed: 1 variant allele.
Comment: SLX4: BP4, BP7

Labcorp Genetics (formerly Invitae), Labcorp
Classification: Likely benign for Fanconi anemia. Last evaluated: 2026-01-24. Review status: criteria provided, single submitter. Criteria: Invitae Variant Classification Sherloc (09022015). Collection method: clinical testing. Allele origin: germline.

Blueprint Genetics
Classification: Likely benign. Last evaluated: 2023-08-04. Review status: criteria provided, single submitter. Criteria: ACMG Guidelines, 2015. Collection method: clinical testing. Allele origin: germline.

Fulgent Genetics
Classification: Likely benign for Fanconi anemia complementation group P. Last evaluated: 2021-12-28. Review status: criteria provided, single submitter. Criteria: ACMG Guidelines, 2015. Collection method: clinical testing. Allele origin: unknown.

PreventionGenetics, part of Exact Sciences
Classification: Likely benign for SLX4-related condition. Last evaluated: 2024-08-16. Review status: no assertion criteria provided. Collection method: clinical testing. Allele origin: germline. Not counted in ClinVar's aggregate classification.
Comment: This variant is classified as likely benign based on ACMG/AMP sequence variant interpretation guidelines (Richards et al. 2015 PMID: 25741868, with internal and published modifications).